The following is an entry in ClinVar:

NM_001367624.2(ZNF469):c.3521C>T (p.Pro1174Leu)

Gene: ZNF469 (zinc finger protein 469; plus strand). Cytogenetic location: 16q24.2.
Variant type: single nucleotide variant.
Coding change: c.3521C>T on transcript NM_001367624.2 (MANE Select); coding-DNA position 3521, C replaced by T.
Protein change: p.Pro1174Leu; replaces proline 1174 with leucine.
Molecular consequence: missense variant.
Genome position (GRCh38, 1-based): chr16:88,430,991, C>T. VCF-style: chr16-88430991-C-T. GRCh37 (hg19) VCF-style: chr16-88497399-C-T.
Other names: NM_001127464.1:c.3437C>T; short protein forms P1174L.
Identifiers: ClinVar variation 2847864 (VCV002847864.4), dbSNP rs2507583768, ClinGen allele CA397084833.

ClinVar aggregate classification (germline): Uncertain significance. Review status: criteria provided, multiple submitters, no conflicts (2 of 4 stars). 2 submissions from 2 submitters: Uncertain significance (2). Last evaluated 2024-06-05.

Conditions:
Cardiovascular phenotype. Identifiers: MedGen CN230736.

Submissions (2):

Ambry Genetics
Classification: Uncertain significance for Cardiovascular phenotype. Last evaluated: 2024-06-05. Review status: criteria provided, single submitter. Criteria: Ambry Variant Classification Scheme 2023. Collection method: clinical testing. Allele origin: germline.

Labcorp Genetics (formerly Invitae), Labcorp
Classification: Uncertain significance. Last evaluated: 2023-03-20. Review status: criteria provided, single submitter. Criteria: Invitae Variant Classification Sherloc (09022015). Collection method: clinical testing. Allele origin: germline.
Comment: This variant is not present in population databases (gnomAD no frequency). In summary, the available evidence is currently insufficient to determine the role of this variant in disease. Therefore, it has been classified as a Variant of Uncertain Significance. Algorithms developed to predict the effect of missense changes on protein structure and function output the following: SIFT: "Not Available"; PolyPhen-2: "Benign"; Align-GVGD: "Not Available". The leucine amino acid residue is found in multiple mammalian species, which suggests that this missense change does not adversely affect protein function. This variant has not been reported in the literature in individuals affected with ZNF469-related conditions. This sequence change replaces proline, which is neutral and non-polar, with leucine, which is neutral and non-polar, at codon 1146 of the ZNF469 protein (p.Pro1146Leu).